The following is an entry in ClinVar:

ClinVar aggregate classification (germline): Uncertain significance (1 of 4 stars; one submission).

Allele frequency attached by ClinVar (database versions not stated): ExAC 0.00001; TOPMed 0.00003; gnomAD 0.00006; gnomAD exomes 0.00007.
gnomAD v4.1: 118 of 1,613,752 alleles (0.0073%); highest among the groups gnomAD compares: Non-Finnish European, 0.0093%; no homozygotes.

Submission:

Labcorp Genetics (formerly Invitae), Labcorp
Classification: Uncertain significance. Last evaluated: 2023-03-19. Review status: criteria provided, single submitter. Criteria: Invitae Variant Classification Sherloc (09022015). Collection method: clinical testing. Allele origin: germline.
Comment: This variant is present in population databases (rs535428616, gnomAD 0.007%). This sequence change replaces tryptophan, which is neutral and slightly polar, with cysteine, which is neutral and slightly polar, at codon 296 of the CYP7A1 protein (p.Trp296Cys). In summary, the available evidence is currently insufficient to determine the role of this variant in disease. Therefore, it has been classified as a Variant of Uncertain Significance. Advanced modeling of protein sequence and biophysical properties (such as structural, functional, and spatial information, amino acid conservation, physicochemical variation, residue mobility, and thermodynamic stability) performed at Invitae indicates that this missense variant is expected to disrupt CYP7A1 protein function. This variant has not been reported in the literature in individuals affected with CYP7A1-related conditions.

NM_000780.4(CYP7A1):c.888G>C (p.Trp296Cys)

Gene: CYP7A1 (cytochrome P450 family 7 subfamily A member 1; minus strand). Cytogenetic location: 8q12.1.
Variant type: single nucleotide variant.
Coding change: c.888G>C on transcript NM_000780.4 (MANE Select); coding-DNA position 888, G replaced by C.
Protein change: p.Trp296Cys; replaces tryptophan 296 with cysteine.
Molecular consequence: missense variant.
Genome position (GRCh38, 1-based): chr8:58,496,624, C>G on the plus strand (G>C on the coding strand, the complement: CYP7A1 is on the minus strand). VCF-style: chr8-58496624-C-G. GRCh37 (hg19) VCF-style: chr8-59409183-C-G.
Other names: short protein forms W296C.
Identifiers: ClinVar variation 2902473 (VCV002902473.3), dbSNP rs535428616, ClinGen allele CA4756719.